The following is an entry in ClinVar:

NM_031935.3(HMCN1):c.4574G>A (p.Cys1525Tyr)

Gene: HMCN1 (hemicentin 1; plus strand). Cytogenetic location: 1q31.1.
Variant type: single nucleotide variant.
Coding change: c.4574G>A on transcript NM_031935.3 (MANE Select); coding-DNA position 4574, G replaced by A.
Protein change: p.Cys1525Tyr; replaces cysteine 1525 with tyrosine.
Molecular consequence: missense variant.
Genome position (GRCh38, 1-based): chr1:186,007,226, G>A. VCF-style: chr1-186007226-G-A. GRCh37 (hg19) VCF-style: chr1-185976358-G-A.
Other names: short protein forms C1525Y.
Identifiers: ClinVar variation 1924158 (VCV001924158.5), dbSNP rs748540288, ClinGen allele CA1292056.

ClinVar aggregate classification (germline): Uncertain significance (1 of 4 stars; one submission).

Allele frequency attached by ClinVar (database versions not stated): gnomAD exomes below 0.00001; ExAC 0.00001.
gnomAD v4.1: 1 of 1,613,718 alleles (0.000062%); highest among the groups gnomAD compares: Non-Finnish European, 0.000085%; no homozygotes.

Submission:

Labcorp Genetics (formerly Invitae), Labcorp
Classification: Uncertain significance. Last evaluated: 2022-02-23. Review status: criteria provided, single submitter. Criteria: Invitae Variant Classification Sherloc (09022015). Collection method: clinical testing. Allele origin: germline.
Comment: This sequence change replaces cysteine, which is neutral and slightly polar, with tyrosine, which is neutral and polar, at codon 1525 of the HMCN1 protein (p.Cys1525Tyr). This variant is present in population databases (rs748540288, gnomAD 0.0009%). This variant has not been reported in the literature in individuals affected with HMCN1-related conditions. Algorithms developed to predict the effect of missense changes on protein structure and function are either unavailable or do not agree on the potential impact of this missense change (SIFT: "Deleterious"; PolyPhen-2: "Probably Damaging"; Align-GVGD: "Class C0"). In summary, the available evidence is currently insufficient to determine the role of this variant in disease. Therefore, it has been classified as a Variant of Uncertain Significance.